The following is an entry in ClinVar:

NM_172364.5(CACNA2D4):c.3317C>A (p.Ala1106Asp)

Gene: CACNA2D4 (calcium voltage-gated channel auxiliary subunit alpha2delta 4; minus strand). Cytogenetic location: 12p13.33.
Variant type: single nucleotide variant.
Coding change: c.3317C>A on transcript NM_172364.5 (MANE Select); coding-DNA position 3317, C replaced by A.
Protein change: p.Ala1106Asp; replaces alanine 1106 with aspartic acid.
Molecular consequence: missense variant.
Genome position (GRCh38, 1-based): chr12:1,793,752, G>T on the plus strand (C>A on the coding strand, the complement: CACNA2D4 is on the minus strand). VCF-style: chr12-1793752-G-T. GRCh37 (hg19) VCF-style: chr12-1902918-G-T.
Other names: short protein forms A1106D.
Identifiers: ClinVar variation 1511243 (VCV001511243.6), dbSNP rs2154444901, ClinGen allele CA383346912.

ClinVar aggregate classification (germline): Uncertain significance (1 of 4 stars; one submission).

Submission:

Labcorp Genetics (formerly Invitae), Labcorp
Classification: Uncertain significance. Last evaluated: 2021-08-08. Review status: criteria provided, single submitter. Criteria: Invitae Variant Classification Sherloc (09022015). Collection method: clinical testing. Allele origin: germline.
Comment: This variant has not been reported in the literature in individuals affected with CACNA2D4-related conditions. This variant is not present in population databases (ExAC no frequency). This sequence change replaces alanine with aspartic acid at codon 1106 of the CACNA2D4 protein (p.Ala1106Asp). The alanine residue is moderately conserved and there is a moderate physicochemical difference between alanine and aspartic acid. In summary, the available evidence is currently insufficient to determine the role of this variant in disease. Therefore, it has been classified as a Variant of Uncertain Significance. Algorithms developed to predict the effect of missense changes on protein structure and function are either unavailable or do not agree on the potential impact of this missense change (SIFT: "Deleterious"; PolyPhen-2: "Possibly Damaging"; Align-GVGD: "Class C0").